The following is an entry in ClinVar:

ClinVar aggregate classification (germline): Uncertain significance (1 of 4 stars; one submission).

Conditions:
Autosomal dominant Kenny-Caffey syndrome. Also called: Kenny-Caffey syndrome type 2. Identifiers: Orphanet 2333, Orphanet 93325, MedGen C4316787, MONDO:0007478, OMIM 127000.

Submission:

Victorian Clinical Genetics Services, Murdoch Childrens Research Institute
Classification: Uncertain significance for Autosomal dominant Kenny-Caffey syndrome. Last evaluated: 2020-05-21. Review status: criteria provided, single submitter. Criteria: ACMG Guidelines, 2015. Collection method: clinical testing. Allele origin: germline. Inheritance: Autosomal dominant inheritance.
Comment: Based on the classification scheme VCGS_Germline_v1.1.0, this variant is classified as a 3C. Following criteria are met: 0105 - The mechanism of disease for this gene is not clearly established. (N) 0107 - This gene is known to be associated with autosomal dominant disease. (N) 0200 - Variant is predicted to result in a missense amino acid change from histidine to tyrosine (exon 5) (N) 0251 - Variant is heterozygous. (N) 0301 - Variant is absent from gnomAD. (P) 0309 - An alternative amino acid change at the same position has been observed in gnomAD (16 Heterozygous, 0 Homozygous). 0503 - Missense variant consistently predicted to be tolerated or not conserved in mammals with a minor amino acid change (PolyPhen2, PROVEAN, MutationAssessor, FATHMM, UCSC) (B) 0600 - Variant is located in an annotated domain or motif, Trypsin-like peptidase domain (PDB, NCBI) (N) 0705 - No comparable variants have previous evidence for pathogenicity. (N) 0807 - Variant has not previously been reported in a clinical context. (N) 0905 - No segregation evidence has been identified for this variant. (N) 1007 - No published functional evidence has been identified for this variant. (N) Legend: (P) - Pathogenic, (N) - Neutral, (B) - Benign

NM_001312909.2(FAM111A):c.1408C>T (p.His470Tyr)

Gene: FAM111A (FAM111 trypsin like peptidase A; plus strand). Cytogenetic location: 11q12.1.
Variant type: single nucleotide variant.
Coding change: c.1408C>T on transcript NM_001312909.2 (MANE Select); coding-DNA position 1408, C replaced by T.
Protein change: p.His470Tyr; replaces histidine 470 with tyrosine.
Molecular consequence: missense variant.
Genome position (GRCh38, 1-based): chr11:59,153,076, C>T. VCF-style: chr11-59153076-C-T. GRCh37 (hg19) VCF-style: chr11-58920549-C-T.
Other names: c.1408C>T, p.His470Tyr (NM_001142519.3, NM_001142520.3, NM_001142521.3 and 29 more transcripts); short protein forms H470Y.
Identifiers: ClinVar variation 1805814 (VCV001805814.1), dbSNP rs147361273, ClinGen allele CA380784918.
Genomic context (GRCh38, chr11:59,153,076, plus strand): 5'-CAACAAGTACCTATGGAACTATATAATGGAATTACTCCTGTGCCACTTAGTGGGTTGATA[C>T]ATATTATTGGCCATCCATATGGAGAAAAAAAGCAGATTGATGCTTGTGCTGTGATCCCTC-3'
Protein context (NP_001299838.1, residues 460-480): ITPVPLSGLI[His470Tyr]IIGHPYGEKK